The following is an entry in ClinVar:

ClinVar aggregate classification (germline): Likely benign. Review status: criteria provided, multiple submitters, no conflicts (2 of 4 stars). 2 submissions from 2 submitters: Likely benign (2). Last evaluated 2025-08-17.

Conditions:
OXCT1-related disorder. Also called: OXCT1-related condition.

Allele frequency attached by ClinVar (database versions not stated): TOPMed 0.00002.
gnomAD v4.1: 3 of 1,613,830 alleles (0.00019%); highest among the groups gnomAD compares: African/African-American, 0.004%; no homozygotes.

Submissions (2):

PreventionGenetics, part of Exact Sciences
Classification: Likely benign for OXCT1-related condition. Last evaluated: 2025-08-17. Review status: criteria provided, single submitter. Criteria: ACMG Guidelines, 2015. Collection method: clinical testing. Allele origin: germline.
Comment: This variant is classified as likely benign based on ACMG/AMP sequence variant interpretation guidelines (Richards et al. 2015 PMID: 25741868, with internal and published modifications).

Labcorp Genetics (formerly Invitae), Labcorp
Classification: Likely benign. Last evaluated: 2018-09-11. Review status: criteria provided, single submitter. Criteria: Invitae Variant Classification Sherloc (09022015). Collection method: clinical testing. Allele origin: germline.

NM_000436.4(OXCT1):c.477A>C (p.Thr159=)

Gene: OXCT1 (3-oxoacid CoA-transferase 1; minus strand). Cytogenetic location: 5p13.1.
Variant type: single nucleotide variant.
Coding change: c.477A>C on transcript NM_000436.4 (MANE Select); coding-DNA position 477, A replaced by C.
Protein change: p.Thr159=; no amino-acid change (threonine 159 retained).
Molecular consequence: synonymous variant. On other transcripts: non-coding transcript variant (1).
Genome position (GRCh38, 1-based): chr5:41,850,117, T>G on the plus strand (A>C on the coding strand, the complement: OXCT1 is on the minus strand). VCF-style: chr5-41850117-T-G. GRCh37 (hg19) VCF-style: chr5-41850219-T-G.
Other names: c.498A>C, p.Thr166= (NM_001364299.2, NM_001364300.2); c.477A>C, p.Thr159= (NM_001364301.2, NM_001364302.2).
Identifiers: ClinVar variation 751087 (VCV000751087.4), dbSNP rs141567487, ClinGen allele CA117804256.